The following is an entry in ClinVar:

ClinVar aggregate classification (germline): Conflicting classifications of pathogenicity. Review status: criteria provided, conflicting classifications (1 of 4 stars). 7 submissions from 7 submitters: Uncertain significance (2); Benign (2); Likely benign (3). Last evaluated 2026-01-23.

Conditions:
KMT2D-related disorder. Also called: KMT2D-Related Disorders.
Kabuki syndrome. Also called: NIIKAWA-KUROKI SYNDROME; Kabuki make-up syndrome. Identifiers: Orphanet 2322, MedGen C0796004, MONDO:0016512.

Allele frequency attached by ClinVar (database versions not stated): gnomAD 0.00005; gnomAD exomes 0.00007 and 0.00008; TOPMed 0.00007; ExAC 0.00008; ESP Exome Variant Server 0.00008.

Submissions (7):

Labcorp Genetics (formerly Invitae), Labcorp
Classification: Likely benign for Kabuki syndrome. Last evaluated: 2026-01-23. Review status: criteria provided, single submitter. Criteria: Invitae Variant Classification Sherloc (09022015). Collection method: clinical testing. Allele origin: germline.

ARUP Laboratories, Molecular Genetics and Genomics, ARUP Laboratories
Classification: Uncertain significance. Last evaluated: 2025-07-30. Review status: criteria provided, single submitter. Criteria: ARUP Molecular Germline Variant Investigation Process 2024. Collection method: clinical testing. Allele origin: germline.
Comment: The KMT2D c.5821A>G; p.Met1941Val variant (rs372271746), to our knowledge, is not reported in the medical literature but is reported in ClinVar (Variation ID: 1193141). This variant is found in the general population with an overall allele frequency of 0.008% (20/248920 alleles) in the Genome Aggregation Database (v2.1.1). Computational analyses are uncertain whether this variant is neutral or deleterious (REVEL: 0.377). Due to limited information, the clinical significance of this variant is uncertain at this time.

CeGaT Center for Human Genetics Tuebingen
Classification: Likely benign. Last evaluated: 2025-05-01. Review status: criteria provided, single submitter. Criteria: CeGaT Center For Human Genetics Tuebingen Variant Classification Criteria Version 2. Collection method: clinical testing. Allele origin: germline. Affected: yes. Observed: 2 variant alleles.
Comment: KMT2D: BP4, BS2

PreventionGenetics, part of Exact Sciences
Classification: Benign for KMT2D-related condition. Last evaluated: 2024-10-04. Review status: criteria provided, single submitter. Criteria: ACMG Guidelines, 2015. Collection method: clinical testing. Allele origin: germline.
Comment: This variant is classified as benign based on ACMG/AMP sequence variant interpretation guidelines (Richards et al. 2015 PMID: 25741868, with internal and published modifications).

Revvity Omics, Revvity
Classification: Uncertain significance. Last evaluated: 2023-11-07. Review status: criteria provided, single submitter. Criteria: ACMG Guidelines, 2015. Collection method: clinical testing. Allele origin: germline.

Genetic Services Laboratory, University of Chicago
Classification: Benign. Last evaluated: 2020-07-21. Review status: criteria provided, single submitter. Criteria: ACMG Guidelines, 2015. Collection method: clinical testing. Allele origin: germline. Affected: no.

GeneDx
Classification: Likely benign. Last evaluated: 2019-12-27. Review status: criteria provided, single submitter. Criteria: GeneDx Variant Classification Process June 2021. Collection method: clinical testing. Allele origin: germline. Affected: yes.

NM_003482.4(KMT2D):c.5821A>G (p.Met1941Val)

Gene: KMT2D (lysine methyltransferase 2D; minus strand). Cytogenetic location: 12q13.12.
Variant type: single nucleotide variant.
Coding change: c.5821A>G on transcript NM_003482.4 (MANE Select); coding-DNA position 5821, A replaced by G.
Protein change: p.Met1941Val; replaces methionine 1941 with valine.
Molecular consequence: missense variant.
Genome position (GRCh38, 1-based): chr12:49,042,607, T>C on the plus strand (A>G on the coding strand, the complement: KMT2D is on the minus strand). VCF-style: chr12-49042607-T-C. GRCh37 (hg19) VCF-style: chr12-49436390-T-C.
Other names: short protein forms M1941V.
Identifiers: ClinVar variation 1193141 (VCV001193141.33), dbSNP rs372271746, ClinGen allele CA6547427.